The following is an entry in ClinVar:

NM_000441.2(SLC26A4):c.1002del

Gene: SLC26A4 (solute carrier family 26 member 4; plus strand). Cytogenetic location: 7q22.3.
Variant type: Deletion.
Coding change: c.1002del on transcript NM_000441.2 (MANE Select); coding-DNA position 1002, one base deleted (G; older notation c.1002delG).
Genome position (GRCh38, 1-based): chr7:107,689,053, G deleted; the last of 2 consecutive G bases (chr7:107,689,052-107,689,053); deleting either gives the same sequence. VCF-style (leftmost placement, unchanged base first): chr7-107689051-AG-A. GRCh37 (hg19) VCF-style: chr7-107329496-AG-A.
Identifiers: ClinVar variation 2678902 (VCV002678902.4), dbSNP rs2535317564, ClinGen allele CA2695198368.

ClinVar aggregate classification (germline): Pathogenic/Likely pathogenic. Review status: criteria provided, multiple submitters, no conflicts (2 of 4 stars). 2 submissions from 2 submitters: Pathogenic (1); Likely pathogenic (1). Last evaluated 2023-09-19.

Conditions:
Autosomal recessive nonsyndromic hearing loss 4 (DFNB4). Also called: Deafness, autosomal recessive 4; Enlarged vestibular aqueduct, digenic; NEUROSENSORY NONSYNDROMIC RECESSIVE DEAFNESS 4; Nonsyndromic enlarged vestibular aqueduct (NSEVA); FOXI1-Related Pendred Syndrome; KCNJ10-Related Pendred Syndrome. Identifiers: Orphanet 90636, MedGen C3538946, MONDO:0010933, OMIM 600791.

Submissions (2):

Baylor Genetics
Classification: Likely pathogenic for Autosomal recessive nonsyndromic hearing loss 4. Last evaluated: 2023-09-19. Review status: criteria provided, single submitter. Criteria: ACMG Guidelines, 2015. Collection method: clinical testing. Allele origin: unknown.

Labcorp Genetics (formerly Invitae), Labcorp
Classification: Pathogenic. Last evaluated: 2023-03-18. Review status: criteria provided, single submitter. Criteria: Invitae Variant Classification Sherloc (09022015). Collection method: clinical testing. Allele origin: germline.
Comment: For these reasons, this variant has been classified as Pathogenic. Algorithms developed to predict the effect of sequence changes on RNA splicing suggest that this variant may disrupt the consensus splice site. This variant has not been reported in the literature in individuals affected with SLC26A4-related conditions. This variant is not present in population databases (gnomAD no frequency). This sequence change creates a premature translational stop signal (p.Leu336Cysfs*8) in the SLC26A4 gene. It is expected to result in an absent or disrupted protein product. Loss-of-function variants in SLC26A4 are known to be pathogenic (PMID: 16283880, 25394566, 26252218, 26445815).

Literature cited by the submitters: PubMed 16283880 (cited by Labcorp Genetics (formerly Invitae), Labcorp); PubMed 25394566 (cited by Labcorp Genetics (formerly Invitae), Labcorp); PubMed 26252218 (cited by Labcorp Genetics (formerly Invitae), Labcorp); PubMed 26445815 (cited by Labcorp Genetics (formerly Invitae), Labcorp).